The following is an entry in ClinVar:

NM_139318.5(KCNH5):c.2648G>A (p.Ser883Asn)

Gene: KCNH5 (potassium voltage-gated channel subfamily H member 5; minus strand). Cytogenetic location: 14q23.2.
Variant type: single nucleotide variant.
Coding change: c.2648G>A on transcript NM_139318.5 (MANE Select); coding-DNA position 2648, G replaced by A.
Protein change: p.Ser883Asn; replaces serine 883 with asparagine.
Molecular consequence: missense variant. On other transcripts: 3 prime UTR variant (1).
Genome position (GRCh38, 1-based): chr14:62,707,827, C>T on the plus strand (G>A on the coding strand, the complement: KCNH5 is on the minus strand). VCF-style: chr14-62707827-C-T. GRCh37 (hg19) VCF-style: chr14-63174545-C-T.
Other names: c.2648G>A (NM_139318.4); c.*615G>A (NM_172375.3); short protein forms S883N.
Identifiers: ClinVar variation 3688285 (VCV003688285.3).

ClinVar aggregate classification (germline): Uncertain significance. Review status: criteria provided, multiple submitters, no conflicts (2 of 4 stars). 2 submissions from 2 submitters: Uncertain significance (2). Last evaluated 2024-10-18.

Conditions:
Early-infantile DEE. Also called: Ohtahara syndrome; Early infantile epileptic encephalopathy with suppression bursts; Early infantile epileptic encephalopathy. Identifiers: Orphanet 1934, MedGen C0393706, MONDO:0800491.

Submissions (2):

GeneDx
Classification: Uncertain significance. Last evaluated: 2024-10-18. Review status: criteria provided, single submitter. Criteria: GeneDx Variant Classification Process June 2021. Collection method: clinical testing. Allele origin: germline. Affected: yes.
Comment: Not observed at significant frequency in large population cohorts (gnomAD); In silico analysis indicates that this missense variant does not alter protein structure/function; Has not been previously published as pathogenic or benign to our knowledge

Labcorp Genetics (formerly Invitae), Labcorp
Classification: Uncertain significance for Early-infantile DEE. Last evaluated: 2024-04-03. Review status: criteria provided, single submitter. Criteria: Invitae Variant Classification Sherloc (09022015). Collection method: clinical testing. Allele origin: germline.
Comment: This sequence change replaces serine, which is neutral and polar, with asparagine, which is neutral and polar, at codon 883 of the KCNH5 protein (p.Ser883Asn). This variant is not present in population databases (gnomAD no frequency). This variant has not been reported in the literature in individuals affected with KCNH5-related conditions. Advanced modeling of protein sequence and biophysical properties (such as structural, functional, and spatial information, amino acid conservation, physicochemical variation, residue mobility, and thermodynamic stability) performed at Invitae indicates that this missense variant is not expected to disrupt KCNH5 protein function with a negative predictive value of 95%. In summary, the available evidence is currently insufficient to determine the role of this variant in disease. Therefore, it has been classified as a Variant of Uncertain Significance.